The following is an entry in ClinVar:

ClinVar aggregate classification (germline): Pathogenic. Review status: criteria provided, multiple submitters, no conflicts (2 of 4 stars). 2 submissions from 2 submitters: Pathogenic (2). Last evaluated 2024-03-03.

Conditions:
Rare genetic deafness. Identifiers: Orphanet 96210, MedGen C5680250.

Allele frequency attached by ClinVar (database versions not stated): gnomAD exomes below 0.00001; TOPMed 0.00001.
gnomAD v4.1: 4 of 1,613,054 alleles (0.00025%); highest among the groups gnomAD compares: Non-Finnish European, 0.00034%; no homozygotes.

Submissions (2):

Labcorp Genetics (formerly Invitae), Labcorp
Classification: Pathogenic. Last evaluated: 2024-03-03. Review status: criteria provided, single submitter. Criteria: Invitae Variant Classification Sherloc (09022015). Collection method: clinical testing. Allele origin: germline.
Comment: This sequence change creates a premature translational stop signal (p.Trp559*) in the TMC1 gene. It is expected to result in an absent or disrupted protein product. Loss-of-function variants in TMC1 are known to be pathogenic (PMID: 11850618, 22105175). This variant is present in population databases (no rsID available, gnomAD 0.0009%). This premature translational stop signal has been observed in individual(s) with deafness (PMID: 29196752). ClinVar contains an entry for this variant (Variation ID: 228407). For these reasons, this variant has been classified as Pathogenic.

Laboratory for Molecular Medicine, Mass General Brigham Personalized Medicine
Classification: Pathogenic for Rare genetic deafness. Last evaluated: 2015-02-12. Review status: criteria provided, single submitter. Criteria: LMM Criteria. Collection method: clinical testing. Allele origin: germline. Inheritance: Autosomal recessive inheritance. Observed: 1 variant allele.
Comment: The p.Trp559X variant in TMC1 has not been reported in individuals with hearing loss or in large population studies. This nonsense variant leads to a premature termination codon at position 559, which is predicted to lead to a truncated or absent protein. Loss-of-function variants in the TMC1 gene have been associated with autosomal recessive hearing loss. In summary, this variant meets our criter ia to be classified as pathogenic for hearing loss in an autosomal recessive man ner based upon its pre dicted impact to the protein.

Literature cited by the submitters: PubMed 11850618 (cited by Labcorp Genetics (formerly Invitae), Labcorp); PubMed 22105175 (cited by Labcorp Genetics (formerly Invitae), Labcorp); PubMed 29196752 (cited by Labcorp Genetics (formerly Invitae), Labcorp).

NM_138691.3(TMC1):c.1677G>A (p.Trp559Ter)

Gene: TMC1 (transmembrane channel like 1; plus strand). Cytogenetic location: 9q21.13.
Variant type: single nucleotide variant.
Coding change: c.1677G>A on transcript NM_138691.3 (MANE Select); coding-DNA position 1677, G replaced by A.
Protein change: p.Trp559Ter; replaces tryptophan 559 with a stop codon.
Molecular consequence: nonsense.
Genome position (GRCh38, 1-based): chr9:72,805,492, G>A. VCF-style: chr9-72805492-G-A. GRCh37 (hg19) VCF-style: chr9-75420408-G-A.
Other names: short protein forms W559*.
Identifiers: ClinVar variation 228407 (VCV000228407.10), dbSNP rs876657729, ClinGen allele CA10576755.
Genomic context (GRCh38, chr9:72,805,492, plus strand): 5'-CCTCATTGGGGACTTTCTAAGGGCATGTTTTGTGAGGTTTTGCAATTATTGCTGGTGCTG[G>A]GACTTGGAGTATGGATATGTAAGTATGATGTTAATTTTGCTTTTTTTTTTTTTTAAATTT-3'